The following is an entry in ClinVar:

NM_001148.6(ANK2):c.1631A>C (p.Asp544Ala)

Gene: ANK2 (ankyrin 2; plus strand). Cytogenetic location: 4q26.
Variant type: single nucleotide variant.
Coding change: c.1631A>C on transcript NM_001148.6 (MANE Select); coding-DNA position 1631, A replaced by C.
Protein change: p.Asp544Ala; replaces aspartic acid 544 with alanine.
Molecular consequence: missense variant.
Genome position (GRCh38, 1-based): chr4:113,274,597, A>C. VCF-style: chr4-113274597-A-C. GRCh37 (hg19) VCF-style: chr4-114195753-A-C.
Other names: c.1568A>C, p.Asp523Ala (NM_001127493.3, NM_001354239.2, NM_001354243.2 and 14 more transcripts); c.1631A>C, p.Asp544Ala (NM_001354225.2, NM_001354228.2, NM_001354232.2 and 8 more transcripts); c.1676A>C, p.Asp559Ala (NM_001354230.2, NM_001354231.2, NM_001354237.2 and 5 more transcripts); c.1544A>C, p.Asp515Ala (NM_001354249.2, NM_001354260.2, NM_001354264.2 and 13 more transcripts); c.1589A>C, p.Asp530Ala (NM_001354261.2, NM_001386147.1, NM_001386160.1); c.1421A>C, p.Asp474Ala (NM_001354269.3); c.1433A>C, p.Asp478Ala (NM_001354273.2); c.1346A>C, p.Asp449Ala (NM_001354277.2, NM_001386157.1, NM_001386158.1); and 4 more; short protein forms D449A, D474A, D478A, D515A, D523A, D530A, D532A, D540A.
Identifiers: ClinVar variation 3370670 (VCV003370670.1).

ClinVar aggregate classification (germline): Uncertain significance (1 of 4 stars; one submission).

Submission:

GeneDx
Classification: Uncertain significance. Last evaluated: 2024-03-13. Review status: criteria provided, single submitter. Criteria: GeneDx Variant Classification Process June 2021. Collection method: clinical testing. Allele origin: germline. Affected: yes.
Comment: Not observed at significant frequency in large population cohorts (gnomAD); In silico analysis supports that this missense variant has a deleterious effect on protein structure/function; Has not been previously published as pathogenic or benign to our knowledge